The following is an entry in ClinVar:

NM_000404.4(GLB1):c.902C>A (p.Ala301Glu)

Gene: GLB1 (galactosidase beta 1; minus strand). Cytogenetic location: 3p22.3.
Variant type: single nucleotide variant.
Coding change: c.902C>A on transcript NM_000404.4 (MANE Select); coding-DNA position 902, C replaced by A.
Protein change: p.Ala301Glu; replaces alanine 301 with glutamic acid.
Molecular consequence: missense variant.
Genome position (GRCh38, 1-based): chr3:33,051,895, G>T on the plus strand (C>A on the coding strand, the complement: GLB1 is on the minus strand). VCF-style: chr3-33051895-G-T. GRCh37 (hg19) VCF-style: chr3-33093387-G-T.
Other names: c.812C>A, p.Ala271Glu (NM_001079811.3); c.509C>A, p.Ala170Glu (NM_001135602.3); c.1046C>A, p.Ala349Glu (NM_001317040.2); c.902C>A, p.Ala301Glu (NM_001393580.1); short protein forms A170E, A271E, A301E, A349E.
Identifiers: ClinVar variation 4853534 (VCV004853534.1).

ClinVar aggregate classification (germline): Uncertain significance (1 of 4 stars; one submission).

Submission:

Women's Health and Genetics/Laboratory Corporation of America, LabCorp
Classification: Uncertain significance. Last evaluated: 2026-05-06. Review status: criteria provided, single submitter. Criteria: LabCorp Variant Classification Summary - May 2015. Collection method: clinical testing. Allele origin: germline.
Comment: Variant summary: GLB1 c.902C>A (p.Ala301Glu) results in a non-conservative amino acid change in the encoded protein sequence. Algorithms developed to predict the effect of missense changes on protein structure and function all suggest that this variant is likely to be disruptive. The variant was absent in 249468 control chromosomes (gnomAD). The available data on variant occurrences in the general population are insufficient to allow any conclusion about variant significance. To our knowledge, no occurrence of c.902C>A in individuals affected with GLB1-related conditions and no experimental evidence demonstrating its impact on protein function have been reported. No submitters have cited clinical-significance assessments for this variant to ClinVar. Based on the evidence outlined above, the variant was classified as uncertain significance.